The following is an entry in ClinVar:

NM_005732.4(RAD50):c.129+3A>G

Gene: RAD50 (RAD50 double strand break repair protein; plus strand). Cytogenetic location: 5q31.1.
Variant type: single nucleotide variant.
Coding change: c.129+3A>G on transcript NM_005732.4 (MANE Select); 3 bases into the intron after coding-DNA position 129, A replaced by G.
Molecular consequence: intron variant.
Genome position (GRCh38, 1-based): chr5:132,557,456, A>G. VCF-style: chr5-132557456-A-G. GRCh37 (hg19) VCF-style: chr5-131893148-A-G.
Identifiers: ClinVar variation 573097 (VCV000573097.11), dbSNP rs758327485, ClinGen allele CA3404894.
Genomic context (GRCh38, chr5:132,557,456, plus strand): 5'-TATCACTTTCTTCAGCCCCCTTACAATTTTGGTTGGACCCAATGGGGCGGGAAAGACGGT[A>G]AGTCTTCAGTAGCCGCCTTCAGTTTACAGGTCGCTACATCTTTCGGAGAATAAAATGGGA-3'

ClinVar aggregate classification (germline): Uncertain significance. Review status: criteria provided, multiple submitters, no conflicts (2 of 4 stars). 2 submissions from 2 submitters: Uncertain significance (2). Last evaluated 2022-12-24.

Conditions:
Hereditary cancer-predisposing syndrome. Also called: Neoplastic Syndromes, Hereditary; Hereditary Cancer Syndrome; Tumor predisposition; Hereditary neoplastic syndrome. Identifiers: Orphanet 140162, MedGen C0027672, MeSH D009386, MONDO:0015356.

Allele frequency attached by ClinVar (database versions not stated): gnomAD exomes below 0.00001; ExAC 0.00001.
gnomAD v4.1: 2 of 1,614,162 alleles (0.00012%); 1 homozygote.

Submissions (2):

Labcorp Genetics (formerly Invitae), Labcorp
Classification: Uncertain significance for Hereditary cancer-predisposing syndrome. Last evaluated: 2022-12-24. Review status: criteria provided, single submitter. Criteria: Invitae Variant Classification Sherloc (09022015). Collection method: clinical testing. Allele origin: germline.
Comment: This sequence change falls in intron 1 of the RAD50 gene. It does not directly change the encoded amino acid sequence of the RAD50 protein. It affects a nucleotide within the consensus splice site. This variant is present in population databases (rs758327485, gnomAD 0.004%). This variant has not been reported in the literature in individuals affected with RAD50-related conditions. ClinVar contains an entry for this variant (Variation ID: 573097). Variants that disrupt the consensus splice site are a relatively common cause of aberrant splicing (PMID: 17576681, 9536098). Algorithms developed to predict the effect of sequence changes on RNA splicing suggest that this variant is not likely to affect RNA splicing. In summary, the available evidence is currently insufficient to determine the role of this variant in disease. Therefore, it has been classified as a Variant of Uncertain Significance.

Ambry Genetics
Classification: Uncertain significance for Hereditary cancer-predisposing syndrome. Last evaluated: 2021-12-09. Review status: criteria provided, single submitter. Criteria: Ambry Variant Classification Scheme 2023. Collection method: clinical testing. Allele origin: germline.
Comment: The c.129+3A>G intronic variant results from an A to G substitution 3 nucleotides after coding exon 1 in the RAD50 gene. This nucleotide position is well conserved in available vertebrate species. In silico splice site analysis for this alteration is inconclusive; however, direct evidence is insufficient at this time (Ambry internal data). Since supporting evidence is limited at this time, the clinical significance of this alteration remains unclear.

Literature cited by the submitters: PubMed 17576681 (cited by Labcorp Genetics (formerly Invitae), Labcorp); PubMed 9536098 (cited by Labcorp Genetics (formerly Invitae), Labcorp).